The following is an entry in ClinVar:

NM_004187.5(KDM5C):c.2248C>T (p.Arg750Trp)

Gene: KDM5C (lysine demethylase 5C; minus strand). Cytogenetic location: Xp11.22.
Variant type: single nucleotide variant.
Coding change: c.2248C>T on transcript NM_004187.5 (MANE Select); coding-DNA position 2248, C replaced by T.
Protein change: p.Arg750Trp; replaces arginine 750 with tryptophan.
Molecular consequence: missense variant. On other transcripts: non-coding transcript variant (3).
Genome position (GRCh38, 1-based): chrX:53,198,884, G>A on the plus strand (C>T on the coding strand, the complement: KDM5C is on the minus strand). VCF-style: chrX-53198884-G-A. GRCh37 (hg19) VCF-style: chrX-53228066-G-A.
Other names: c.2047C>T, p.Arg683Trp (NM_001146702.2); c.2245C>T, p.Arg749Trp (NM_001282622.3, NM_001353979.2, NM_001353982.2); c.2248C>T, p.Arg750Trp (NM_001353978.3, NM_001353981.2, NM_001353984.2); short protein forms R683W, R749W, R750W.
Identifiers: ClinVar variation 1699148 (VCV001699148.7), dbSNP rs2146851322, ClinGen allele CA413119376.
Genomic context (GRCh38, chrX:53,198,884, plus strand): 5'-AGGACTCAGCCCGAACCTTCAGCTTATGCAGCATGGCAGGAAGCTCATCCAAGGTATACC[G>A]ATACCTGGAGGAAGAGGGCAGGCAAGAGCATGTCTGGCCCAGCTCTCCATCCTCCTTCTT-3'
Protein context (NP_004178.2, residues 740-760): CSSSRQYLRY[Arg750Trp]YTLDELPAML

ClinVar aggregate classification (germline): Likely pathogenic. Review status: criteria provided, multiple submitters, no conflicts (2 of 4 stars). 3 submissions from 3 submitters: Likely pathogenic (3). Last evaluated 2023-12-28.

Conditions:
Intellectual developmental disorder, X-linked, syndromic, Claes-Jensen type. Also called: Syndromic X-linked intellectual disability Claes-Jensen type; INTELLECTUAL DEVELOPMENTAL DISORDER, X-LINKED, SYNDROMIC 16; MENTAL RETARDATION, X-LINKED, SYNDROMIC 16. Identifiers: Orphanet 85279, MedGen C1845243, MONDO:0010355, OMIM 300534.
Spastic paraplegia. Identifiers: MedGen C0037772, HP:0001258.

Submissions (3):

Labcorp Genetics (formerly Invitae), Labcorp
Classification: Likely pathogenic for Spastic paraplegia. Last evaluated: 2023-12-28. Review status: criteria provided, single submitter. Criteria: Invitae Variant Classification Sherloc (09022015). Collection method: clinical testing. Allele origin: germline.
Comment: This sequence change replaces arginine, which is basic and polar, with tryptophan, which is neutral and slightly polar, at codon 750 of the KDM5C protein (p.Arg750Trp). This variant is not present in population databases (gnomAD no frequency). This missense change has been observed in individual(s) with X-linked intellectual disability (PMID: 16541399). It has also been observed to segregate with disease in related individuals. ClinVar contains an entry for this variant (Variation ID: 1699148). Advanced modeling of protein sequence and biophysical properties (such as structural, functional, and spatial information, amino acid conservation, physicochemical variation, residue mobility, and thermodynamic stability) performed at Invitae indicates that this missense variant is expected to disrupt KDM5C protein function with a positive predictive value of 95%. Experimental studies have shown that this missense change affects KDM5C function (PMID: 34356104). In summary, the currently available evidence indicates that the variant is pathogenic, but additional data are needed to prove that conclusively. Therefore, this variant has been classified as Likely Pathogenic.

Genetics and Molecular Pathology, SA Pathology
Classification: Likely pathogenic for Intellectual developmental disorder, X-linked, syndromic, Claes-Jensen type. Last evaluated: 2023-07-03. Review status: criteria provided, single submitter. Criteria: ACMG Guidelines, 2015. Collection method: clinical testing. Allele origin: germline. Inheritance: X-linked recessive inheritance. Affected: yes.
Comment: The KDM5C c.2248C>T variant is classified as LIKELY PATHOGENIC (PS3_supporting, PS4_moderate, PM2, PP3) This variant is a single nucleotide change in exon 16/26 of the KDM5C gene, which is predicted to change the amino acid arginine at position 750 in the protein to tryptophan. This variant is not in dbSNP and is absent from population databases (PM2). This variant has been previously reported in at least two unrelated probands with intellectual disability (PMID: 16541399, ClinVar) (PS4_moderate). This variant has segregated within 3 hemizygous, affected males from a single family (PMID: 16541399) (only single family:PP1 not applied). Functional studies have demonstrated that this variant results in abnormal protein function by reducing gene and protein expression compared to wildtype controls (PMID: 34356104) (PS3_supporting). This variant has been reported in ClinVar (Variation ID: 1699148) and HGMD (Accession no.: CM061211) as Likely pathogenic/ disease causing. Computational predictions support a deleterious effect on the gene or gene product (PP3).

Victorian Clinical Genetics Services, Murdoch Childrens Research Institute
Classification: Likely pathogenic for Intellectual developmental disorder, X-linked, syndromic, Claes-Jensen type. Last evaluated: 2022-06-24. Review status: criteria provided, single submitter. Criteria: ACMG Guidelines, 2015. Collection method: clinical testing. Allele origin: germline. Inheritance: X-linked recessive inheritance. Affected: yes.
Comment: Based on the classification scheme VCGS_Germline_v1.3.4, this variant is classified as Likely pathogenic. Following criteria are met: 0102 - Loss of function is a known mechanism of disease in this gene and is associated with X-linked intellectual disability, Claes-Jensen type (MIM#300534). (I) 0109 - This gene is associated with X-linked recessive disease. However, mildly affected heterozygous females have been reported (OMIM). (I) 0115 - Variants in this gene are known to have variable expressivity, where intra- and interfamillial variability has been reported (PMID: 16541399). (I) 0200 - Variant is predicted to result in a missense amino acid change from arginine to tryptophan. (I) 0253 - This variant is hemizygous. (I) 0301 - Variant is absent from gnomAD (both v2 and v3). (SP) 0501 - Missense variant consistently predicted to be damaging by multiple in silico tools or highly conserved with a major amino acid change. (SP) 0603 - Missense variant in a region that is highly intolerant to missense variation (high constraint region in DECIPHER). (SP) 0705 - No comparable missense variants have previous evidence for pathogenicity. (I) 0803 - This variant has limited previous evidence of pathogenicity in an unrelated individual. This variant has been reported in a family with severe intellectual disability, short stature and speech impairment (PMID: 16541399). (SP) 0903 - This variant has limited evidence for segregation with disease. This variant has segregated within three hemizygous, affected males from a single family (PMID: 16541399). (SP) 1001 - This variant has strong functional evidence supporting abnormal protein function. Analysis of patient lymphoblastoid cells demonstrates reduced gene and protein expression compared to wildtype controls (PMID: 34356104). (I) Legend: (SP) - Supporting pathogenic, (I) - Information, (SB) - Supporting benign

Literature cited by the submitters: PubMed 16541399 (cited by 3 submitters); PubMed 34356104 (cited by 3 submitters).